The following is an entry in ClinVar:

ClinVar aggregate classification (germline): Pathogenic. Review status: criteria provided, multiple submitters, no conflicts (2 of 4 stars). 3 submissions from 3 submitters: Pathogenic (3). Last evaluated 2024-03-01.

Conditions:
Familial X-linked hypophosphatemic vitamin D refractory rickets (XLHRD). Also called: Hypophosphatemic Rickets, X-Linked Dominant; Hypophosphatemia, vitamin D-resistant rickets; Vitamin D-resistant rickets, X-linked; X-Linked Hypophosphatemia; HYPOPHOSPHATEMIC VITAMIN D-RESISTANT RICKETS. Identifiers: Orphanet 89936, MedGen C0733682, MONDO:0010619, OMIM 307800.

Submissions (3):

Labcorp Genetics (formerly Invitae), Labcorp
Classification: Pathogenic. Last evaluated: 2024-03-01. Review status: criteria provided, single submitter. Criteria: Invitae Variant Classification Sherloc (09022015). Collection method: clinical testing. Allele origin: germline.
Comment: This sequence change replaces arginine, which is basic and polar, with proline, which is neutral and non-polar, at codon 651 of the PHEX protein (p.Arg651Pro). This variant is not present in population databases (gnomAD no frequency). This missense change has been observed in individual(s) with X-linked hypophosphatemic rickets (PMID: 9199930, 21553362, 32329911). In at least one individual the variant was observed to be de novo. ClinVar contains an entry for this variant (Variation ID: 438548). Advanced modeling of protein sequence and biophysical properties (such as structural, functional, and spatial information, amino acid conservation, physicochemical variation, residue mobility, and thermodynamic stability) performed at Invitae indicates that this missense variant is expected to disrupt PHEX protein function with a positive predictive value of 95%. For these reasons, this variant has been classified as Pathogenic.

CeGaT Center for Human Genetics Tuebingen
Classification: Pathogenic. Last evaluated: 2019-03-01. Review status: criteria provided, single submitter. Criteria: CeGaT Center For Human Genetics Tuebingen Variant Classification Criteria Version 2. Collection method: clinical testing. Allele origin: germline. Affected: yes. Observed: 2 variant alleles.

Institute of Human Genetics Munich, TUM University Hospital
Classification: Pathogenic for Familial X-linked hypophosphatemic vitamin D refractory rickets. Last evaluated: 2013-10-28. Review status: criteria provided, single submitter. Criteria: Classification criteria August 2017. Collection method: clinical testing. Allele origin: germline. Inheritance: X-linked inheritance. Affected: yes. Observed: 1 hemizygote.

Literature cited by the submitters: PubMed 9199930 (cited by Labcorp Genetics (formerly Invitae), Labcorp and Institute of Human Genetics Munich, TUM University Hospital); PubMed 21553362 (cited by Labcorp Genetics (formerly Invitae), Labcorp); PubMed 32329911 (cited by Labcorp Genetics (formerly Invitae), Labcorp).

NM_000444.6(PHEX):c.1952G>C (p.Arg651Pro)

Genes: PHEX (phosphate regulating endopeptidase X-linked; plus strand), PTCHD1-AS (PTCHD1 and PHEX antisense RNA; minus strand). Cytogenetic location: Xp22.11.
Variant type: single nucleotide variant.
Coding change: c.1952G>C on transcript NM_000444.6 (MANE Select); coding-DNA position 1952, G replaced by C.
Protein change: p.Arg651Pro; replaces arginine 651 with proline.
Molecular consequence: missense variant.
Genome position (GRCh38, 1-based): chrX:22,226,495, G>C. VCF-style: chrX-22226495-G-C. GRCh37 (hg19) VCF-style: chrX-22244612-G-C.
Other names: c.1952G>C, p.Arg651Pro (NM_001282754.2); short protein forms R651P.
Identifiers: ClinVar variation 438548 (VCV000438548.46), dbSNP rs748792378, ClinGen allele CA412574236.
Genomic context (GRCh38, chrX:22,226,495, plus strand): 5'-TCTGTTAGGTCAAGGGGAAGAGGACCCTGGGAGAAAATATTGCTGATAATGGAGGCCTGC[G>C]GGAAGCTTTTAGGGTATGCGCTGCTACATTTACCGTGGTTCTAAAAATCAAGCCATAAAA-3'
Protein context (NP_000435.3, residues 641-661): GENIADNGGL[Arg651Pro]EAFRAYRKWI